The following is an entry in ClinVar:

ClinVar aggregate classification (germline): Likely pathogenic (1 of 4 stars; one submission).

Conditions:
Cardiovascular phenotype. Identifiers: MedGen CN230736.
Hereditary cancer-predisposing syndrome. Also called: Neoplastic Syndromes, Hereditary; Tumor predisposition; Hereditary Cancer Syndrome; Hereditary neoplastic syndrome. Identifiers: Orphanet 140162, MedGen C0027672, MeSH D009386, MONDO:0015356.

Submission:

Ambry Genetics
Classification: Likely pathogenic for Cardiovascular phenotype; Hereditary cancer-predisposing syndrome. Last evaluated: 2025-09-26. Review status: criteria provided, single submitter. Criteria: Ambry Variant Classification Scheme 2023. Collection method: clinical testing. Allele origin: germline.
Comment: The c.4236_4237insAlu variant results from the insertion of an Alu element between nucleotides c.4236 and c.4237 in coding exon 31 of the NF1 gene. Mobile element insertions contribute to pathogenicity by either disrupting the coding sequence or inducing aberrant splicing (Belancio VP et al. Semin. Cancer Biol. 2010 Aug;20:200-10; Deininger P et al. Genome Biol. 2011 Dec;12:236; van der Klift HM Hum Mutat. 2012 Jul;33(7):1051-5). RNA studies have demonstrated that this alteration results in abnormal splicing in the set of samples tested (Ambry internal data). This variant is considered to be rare based on population cohorts in the Genome Aggregation Database (gnomAD). Based on the majority of available evidence to date, this variant is likely to be pathogenic.

NM_000267.3:c.4236_4237insALU

Gene: NF1 (neurofibromin 1; plus strand).
Variant type: Insertion.
Identifiers: ClinVar variation 4615710 (VCV004615710.1).